The following is an entry in ClinVar:

ClinVar aggregate classification (germline): Likely benign (1 of 4 stars; one submission).

Allele frequency attached by ClinVar (database versions not stated): gnomAD 0.00003; gnomAD exomes 0.00001; TOPMed 0.00001.
gnomAD v4.1: 16 of 1,594,640 alleles (0.001%); highest among the groups gnomAD compares: Non-Finnish European, 0.0013%; no homozygotes.

Submission:

CeGaT Center for Human Genetics Tuebingen
Classification: Likely benign. Last evaluated: 2022-12-01. Review status: criteria provided, single submitter. Criteria: CeGaT Center For Human Genetics Tuebingen Variant Classification Criteria Version 2. Collection method: clinical testing. Allele origin: germline. Affected: yes. Observed: 1 variant allele.
Comment: ZNF785: BP4, BP7

NM_152458.7(ZNF785):c.186C>T (p.Phe62=)

Gene: ZNF785 (zinc finger protein 785; minus strand). Cytogenetic location: 16p11.2.
Variant type: single nucleotide variant.
Coding change: c.186C>T on transcript NM_152458.7 (MANE Select); coding-DNA position 186, C replaced by T.
Protein change: p.Phe62=; no amino-acid change (phenylalanine 62 retained).
Molecular consequence: synonymous variant.
Genome position (GRCh38, 1-based): chr16:30,585,426, G>A on the plus strand (C>T on the coding strand, the complement: ZNF785 is on the minus strand). VCF-style: chr16-30585426-G-A. GRCh37 (hg19) VCF-style: chr16-30596747-G-A.
Identifiers: ClinVar variation 2646384 (VCV002646384.24), dbSNP rs984176560, ClinGen allele CA280476090.